The following is an entry in ClinVar:

NM_019098.5(CNGB3):c.1130A>G (p.Tyr377Cys)

Gene: CNGB3 (cyclic nucleotide gated channel subunit beta 3; minus strand). Cytogenetic location: 8q21.3.
Variant type: single nucleotide variant.
Coding change: c.1130A>G on transcript NM_019098.5 (MANE Select); coding-DNA position 1130, A replaced by G.
Protein change: p.Tyr377Cys; replaces tyrosine 377 with cysteine.
Molecular consequence: missense variant.
Genome position (GRCh38, 1-based): chr8:86,643,799, T>C on the plus strand (A>G on the coding strand, the complement: CNGB3 is on the minus strand). VCF-style: chr8-86643799-T-C. GRCh37 (hg19) VCF-style: chr8-87656027-T-C.
Other names: short protein forms Y377C.
Identifiers: ClinVar variation 2163510 (VCV002163510.3), dbSNP rs868097784, ClinGen allele CA371446799.
Genomic context (GRCh38, chr8:86,643,799, plus strand): 5'-ATCAGAACTTACTCGTTTCCTTCCCCATCATACACCCATCTAGTAGTGCCAATTCCTTCA[T>C]AGTTTGAAGCCCAGTAATAAACACAGGCATTAATGTGCAGAATAAACAGCAAGTATCCAG-3'
Protein context (NP_061971.3, residues 367-387): NACVYYWASN[Tyr377Cys]EGIGTTRWVY

ClinVar aggregate classification (germline): Uncertain significance (1 of 4 stars; one submission).

Allele frequency attached by ClinVar (database versions not stated): gnomAD exomes 0.00001.
gnomAD v4.1: 8 of 1,606,692 alleles (0.0005%); highest among the groups gnomAD compares: South Asian, 0.0066%; no homozygotes.

Submission:

Labcorp Genetics (formerly Invitae), Labcorp
Classification: Uncertain significance. Last evaluated: 2024-12-16. Review status: criteria provided, single submitter. Criteria: Invitae Variant Classification Sherloc (09022015). Collection method: clinical testing. Allele origin: germline.
Comment: This sequence change replaces tyrosine, which is neutral and polar, with cysteine, which is neutral and slightly polar, at codon 377 of the CNGB3 protein (p.Tyr377Cys). This variant is present in population databases (no rsID available, gnomAD 0.003%). This variant has not been reported in the literature in individuals affected with CNGB3-related conditions. ClinVar contains an entry for this variant (Variation ID: 2163510). Invitae Evidence Modeling of protein sequence and biophysical properties (such as structural, functional, and spatial information, amino acid conservation, physicochemical variation, residue mobility, and thermodynamic stability) has been performed for this missense variant. However, the output from this modeling did not meet the statistical confidence thresholds required to predict the impact of this variant on CNGB3 protein function. In summary, the available evidence is currently insufficient to determine the role of this variant in disease. Therefore, it has been classified as a Variant of Uncertain Significance.